The following is an entry in ClinVar:

NM_000289.6(PFKM):c.-8-457C>A

Gene: PFKM (phosphofructokinase, muscle; plus strand). Cytogenetic location: 12q13.11.
Variant type: single nucleotide variant.
Coding change: c.-8-457C>A on transcript NM_000289.6 (MANE Select); 457 bases into the intron before 8 bases upstream of the start codon, C replaced by A.
Molecular consequence: intron variant.
Genome position (GRCh38, 1-based): chr12:48,122,310, C>A. VCF-style: chr12-48122310-C-A. GRCh37 (hg19) VCF-style: chr12-48516093-C-A.
Other names: c.17-457C>A (NM_001354741.2); c.-8-457C>A (NM_001354742.2, NM_001354743.2, NM_001354744.2 and 2 more transcripts); c.-84-457C>A (NM_001354747.2, NM_001354748.2); c.206-457C>A (NM_001166686.2, NM_001354737.1, NM_001354739.1 and 1 more transcripts); c.302-457C>A (NM_001354736.1, NM_001354735.1); c.137-457C>A (NM_001354740.1); c.-333-457C>A (NM_001354745.2).
Identifiers: ClinVar variation 683488 (VCV000683488.1), dbSNP rs72644847, ClinGen allele CA15724340.

ClinVar aggregate classification (germline): Benign (1 of 4 stars; one submission).

Allele frequency attached by ClinVar (database versions not stated): TOPMed 0.21550; gnomAD 0.20577; 1000 Genomes Project 30x 0.29997; 1000 Genomes Project 0.30591.
gnomAD v4.1: 31,292 of 152,042 alleles (21%); highest among the groups gnomAD compares: East Asian, 50%; 3,766 homozygotes.

Submission:

GeneDx
Classification: Benign. Last evaluated: 2018-06-14. Review status: criteria provided, single submitter. Criteria: GeneDx Variant Classification (06012015). Collection method: clinical testing. Allele origin: germline. Affected: yes.
Comment: This variant is considered likely benign or benign based on one or more of the following criteria: it is a conservative change, it occurs at a poorly conserved position in the protein, it is predicted to be benign by multiple in silico algorithms, and/or has population frequency not consistent with disease.